The following is an entry in ClinVar:

NM_001378615.1(CC2D2A):c.2683C>T (p.Gln895Ter)

Genes: CC2D2A (coiled-coil and C2 domain containing 2A; plus strand), FBXL5 (F-box and leucine rich repeat protein 5; minus strand). Cytogenetic location: 4p15.32.
Variant type: single nucleotide variant.
Coding change: c.2683C>T on transcript NM_001378615.1 (MANE Select); coding-DNA position 2683, C replaced by T.
Protein change: p.Gln895Ter; replaces glutamine 895 with a stop codon.
Molecular consequence: nonsense.
Genome position (GRCh38, 1-based): chr4:15,557,361, C>T. VCF-style: chr4-15557361-C-T. GRCh37 (hg19) VCF-style: chr4-15558984-C-T.
Other names: c.2683C>T, p.Gln895Ter (NM_001080522.2); c.2536C>T, p.Gln846Ter (NM_001378617.1); short protein forms Q895*, Q846*.
Identifiers: ClinVar variation 210609 (VCV000210609.17), dbSNP rs764719093, ClinGen allele CA209079.

ClinVar aggregate classification (germline): Pathogenic/Likely pathogenic. Review status: criteria provided, multiple submitters, no conflicts (2 of 4 stars). 8 submissions from 7 submitters: Pathogenic (6); Likely pathogenic (2). Last evaluated 2025-12-13.

Conditions:
Meckel syndrome, type 6. Identifiers: Orphanet 564, MedGen C2676790, MONDO:0012848, OMIM 612284.
Joubert syndrome 9 (JBTS9). Identifiers: Orphanet 2318, MedGen C2676788, MONDO:0012849, OMIM 612285.
COACH syndrome 2. Identifiers: MedGen C5436837, MONDO:0030859, OMIM 619111.
Retinitis pigmentosa 93. Identifiers: MedGen C5676970, MONDO:0030797, OMIM 619845.
CC2D2A-related disorder. Also called: CC2D2A-related disorders; CC2D2A-related condition. Identifiers: MedGen CN239313.
COACH syndrome 1. Identifiers: Orphanet 1454, MedGen C5435651, MONDO:0800103, OMIM 216360, MONDO:0008996.
Meckel-Gruber syndrome. Also called: DYSENCEPHALIA SPLANCHNOCYSTICA; GRUBER SYNDROME; Dysencephalia splachnocystica. Identifiers: Orphanet 564, MedGen C0265215, MONDO:0018921.
Joubert syndrome. Also called: Familial aplasia of the vermis; JOUBERT-BOLTSHAUSER SYNDROME. Identifiers: Orphanet 475, MedGen C5979921, MONDO:0018772.
Joubert syndrome and related disorders. Identifiers: Orphanet 140874, MedGen C5679612, MONDO:0015369.

Allele frequency attached by ClinVar (database versions not stated): TOPMed 0.00001.
gnomAD v4.1: 2 of 1,613,624 alleles (0.00012%); highest among the groups gnomAD compares: South Asian, 0.0022%; no homozygotes.

Submissions (8):

Labcorp Genetics (formerly Invitae), Labcorp
Classification: Pathogenic for Joubert syndrome; Meckel-Gruber syndrome. Last evaluated: 2025-12-13. Review status: criteria provided, single submitter. Criteria: Invitae Variant Classification Sherloc (09022015). Collection method: clinical testing. Allele origin: germline.
Comment: This sequence change creates a premature translational stop signal (p.Gln895*) in the CC2D2A gene. It is expected to result in an absent or disrupted protein product. Loss-of-function variants in CC2D2A are known to be pathogenic (PMID: 19777577). This variant is present in population databases (rs764719093, gnomAD 0.003%). This variant has not been reported in the literature in individuals affected with CC2D2A-related conditions. ClinVar contains an entry for this variant (Variation ID: 210609). For these reasons, this variant has been classified as Pathogenic.

Myriad Genetics, Inc.
Classification: Pathogenic for Joubert syndrome and related disorders. Last evaluated: 2024-11-03. Review status: criteria provided, single submitter. Criteria: Myriad Autosomal Dominant, Autosomal Recessive and X-Linked Classification Criteria (2023). Collection method: clinical testing. Allele origin: unknown.
Comment: NM_001080522.2(CC2D2A):c.2683C>T(Q895*) is expected to be pathogenic in the context of CC2D2A-related disorders. This variant is predicted to lead to an abnormal or absent protein product due to the creation of a premature termination codon in CC2D2A, a gene where loss-of-function variants are known to be pathogenic. Please note: this variant was assessed in the context of healthy population screening.

Fulgent Genetics
Classification: Likely pathogenic for Meckel syndrome, type 6; Joubert syndrome 9; COACH syndrome 2; Retinitis pigmentosa 93. Last evaluated: 2024-03-06. Review status: criteria provided, single submitter. Criteria: ACMG Guidelines, 2015. Collection method: clinical testing. Allele origin: germline.

PreventionGenetics, part of Exact Sciences
Classification: Pathogenic for CC2D2A-related condition. Last evaluated: 2023-02-09. Review status: criteria provided, single submitter. Criteria: ACMG Guidelines, 2015. Collection method: clinical testing. Allele origin: germline.
Comment: The CC2D2A c.2683C>T variant is predicted to result in premature protein termination (p.Gln895*). To our knowledge, this variant has not been reported in the literature. This variant is reported in 0.0033% of alleles in individuals of South Asian descent in gnomAD. Nonsense variants in CC2D2A are expected to be pathogenic. This variant is interpreted as pathogenic.

GeneDx
Classification: Likely pathogenic. Last evaluated: 2022-12-29. Review status: criteria provided, single submitter. Criteria: GeneDx Variant Classification Process June 2021. Collection method: clinical testing. Allele origin: germline. Affected: yes.
Comment: Nonsense variant predicted to result in protein truncation or nonsense mediated decay in a gene for which loss of function is a known mechanism of disease; Not observed at significant frequency in large population cohorts (gnomAD); Has not been previously published in association with disease to our knowledge; This variant is associated with the following publications: (PMID: 31589614)

Fulgent Genetics
Classification: Pathogenic for COACH syndrome 1; Meckel syndrome, type 6; Joubert syndrome 9. Last evaluated: 2018-10-31. Review status: criteria provided, single submitter. Criteria: ACMG Guidelines, 2015. Collection method: clinical testing. Allele origin: unknown.

Genomic Research Center, Shahid Beheshti University of Medical Sciences
Classification: Pathogenic for Joubert syndrome 9. Last evaluated: 2017-12-18. Review status: criteria provided, single submitter. Criteria: ACMG Guidelines, 2015. Collection method: clinical testing. Allele origin: inherited. Affected: yes.

Genetic Services Laboratory, University of Chicago
Classification: Pathogenic for Joubert syndrome 9. Last evaluated: 2014-03-04. Review status: criteria provided, single submitter. Criteria: ACMG Guidelines, 2007. Collection method: clinical testing. Allele origin: germline. Affected: yes.

Literature cited by the submitters: PubMed 19777577 (cited by Labcorp Genetics (formerly Invitae), Labcorp).